The following is an entry in ClinVar:

NM_000059.4(BRCA2):c.8016A>G (p.Ile2672Met)

Gene: BRCA2 (BRCA2 DNA repair associated; plus strand). Cytogenetic location: 13q13.1.
Variant type: single nucleotide variant.
Coding change: c.8016A>G on transcript NM_000059.4 (MANE Select); coding-DNA position 8016, A replaced by G.
Protein change: p.Ile2672Met; replaces isoleucine 2672 with methionine.
Molecular consequence: missense variant.
Genome position (GRCh38, 1-based): chr13:32,363,218, A>G. VCF-style: chr13-32363218-A-G. GRCh37 (hg19) VCF-style: chr13-32937355-A-G.
Other names: short protein forms I2672M.
Identifiers: ClinVar variation 182248 (VCV000182248.16), dbSNP rs730881562, ClinGen allele CA025407.

ClinVar aggregate classification (germline): Conflicting classifications of pathogenicity. Review status: criteria provided, conflicting classifications (1 of 4 stars). 3 submissions from 3 submitters: Uncertain significance (2); Likely benign (1). Last evaluated 2025-06-19.

Conditions:
Hereditary cancer-predisposing syndrome. Also called: Tumor predisposition; Hereditary Cancer Syndrome; Hereditary neoplastic syndrome; Neoplastic Syndromes, Hereditary. Identifiers: Orphanet 140162, MedGen C0027672, MeSH D009386, MONDO:0015356.
Hereditary breast ovarian cancer syndrome. Also called: Breast and ovarian cancer; Hereditary breast and ovarian cancer syndrome; Hereditary breast and ovarian cancer; BRCA1- and BRCA2-Associated Hereditary Breast and Ovarian Cancer; Hereditary breast and ovarian cancer syndrome (HBOC); Hereditary breast and/or ovarian cancer syndrome. Identifiers: Orphanet 145, MedGen C0677776, MeSH D061325, MONDO:0003582. Disease mechanism: loss of function.
Breast-ovarian cancer, familial, susceptibility to, 2 (BROVCA2). Also called: BRCA2 Hereditary Breast and Ovarian Cancer. Identifiers: Orphanet 145, MedGen C2675520, MONDO:0012933, OMIM 612555. Disease mechanism: loss of function.

Submissions (3):

Labcorp Genetics (formerly Invitae), Labcorp
Classification: Uncertain significance for Hereditary breast ovarian cancer syndrome. Last evaluated: 2025-06-19. Review status: criteria provided, single submitter. Criteria: Invitae Variant Classification Sherloc (09022015). Collection method: clinical testing. Allele origin: germline.
Comment: This sequence change replaces isoleucine, which is neutral and non-polar, with methionine, which is neutral and non-polar, at codon 2672 of the BRCA2 protein (p.Ile2672Met). This variant is not present in population databases (gnomAD no frequency). This variant has not been reported in the literature in individuals affected with BRCA2-related conditions. ClinVar contains an entry for this variant (Variation ID: 182248). Invitae Evidence Modeling of protein sequence and biophysical properties (such as structural, functional, and spatial information, amino acid conservation, physicochemical variation, residue mobility, and thermodynamic stability) indicates that this missense variant is not expected to disrupt BRCA2 protein function with a negative predictive value of 95%. In summary, the available evidence is currently insufficient to determine the role of this variant in disease. Therefore, it has been classified as a Variant of Uncertain Significance.

Ambry Genetics
Classification: Likely benign for Hereditary cancer-predisposing syndrome. Last evaluated: 2025-05-19. Review status: criteria provided, single submitter. Criteria: Ambry Variant Classification Scheme 2023. Collection method: clinical testing. Allele origin: germline.

All of Us Research Program, National Institutes of Health
Classification: Uncertain significance for Breast-ovarian cancer, familial, susceptibility to, 2. Last evaluated: 2023-05-30. Review status: criteria provided, single submitter. Criteria: ACMG Guidelines, 2015. Collection method: clinical testing. Allele origin: germline. Inheritance: Autosomal dominant inheritance. Observed: 1 variant allele, 1 heterozygote.
Comment: This missense variant replaces isoleucine with methionine at codon 2672 of the BRCA2 protein. Computational prediction is inconclusive regarding the impact of this variant on protein structure and function (internally defined REVEL score threshold 0.5 < inconclusive < 0.7, PMID: 27666373). To our knowledge, functional studies have not been reported for this variant. This variant has not been reported in individuals affected with BRCA2-related disorders in the literature. This variant has not been identified in the general population by the Genome Aggregation Database (gnomAD). The available evidence is insufficient to determine the role of this variant in disease conclusively. Therefore, this variant is classified as a Variant of Uncertain Significance.

This study involves interpretation of variants in research participants for the purpose of population health screening. Participant phenotype was not available at the time of variant classification. Additional details can be found in publication PMID: 35346344, PMCID: PMC8962531